The following is an entry in ClinVar:

NM_001130965.3(SUN1):c.1787G>A (p.Arg596His)

Gene: SUN1 (Sad1 and UNC84 domain containing 1; plus strand). Cytogenetic location: 7p22.3.
Variant type: single nucleotide variant.
Coding change: c.1787G>A on transcript NM_001130965.3 (MANE Select); coding-DNA position 1787, G replaced by A.
Protein change: p.Arg596His; replaces arginine 596 with histidine.
Molecular consequence: missense variant. On other transcripts: non-coding transcript variant (3).
Genome position (GRCh38, 1-based): chr7:861,387, G>A. VCF-style: chr7-861387-G-A. GRCh37 (hg19) VCF-style: chr7-901024-G-A.
Other names: c.1478G>A, p.Arg493His (NM_001171944.2); c.1787G>A, p.Arg596His (NM_001367633.1, NM_001367634.1, NM_001367653.1); c.1436G>A, p.Arg479His (NM_001367635.1); c.2027G>A, p.Arg676His (NM_001367636.1, NM_001367691.1); c.1895G>A, p.Arg632His (NM_001367638.1); c.1328G>A, p.Arg443His (NM_001367639.1); c.1967G>A, p.Arg656His (NM_001367640.1); c.2069G>A, p.Arg690His (NM_001367641.1, NM_001367682.1); and 43 more; short protein forms R358H, R443H, R550H, R570H, R573H, R585H, R591H, R623H.
Identifiers: ClinVar variation 971280 (VCV000971280.9), dbSNP rs372947867, ClinGen allele CA4112391.

ClinVar aggregate classification (germline): Uncertain significance (1 of 4 stars; one submission).

Conditions:
Emery-Dreifuss muscular dystrophy (EDMD). Also called: Scapuloperoneal syndrome, X-linked (formerly); Humeroperoneal neuromuscular disease, (formerly). Identifiers: Orphanet 261, MedGen C0410189, MONDO:0016830.

Allele frequency attached by ClinVar (database versions not stated): gnomAD 0.00007 and 0.00008; ESP Exome Variant Server 0.00008; TOPMed 0.00008.

Submission:

Labcorp Genetics (formerly Invitae), Labcorp
Classification: Uncertain significance for Emery-Dreifuss muscular dystrophy. Last evaluated: 2025-10-11. Review status: criteria provided, single submitter. Criteria: Invitae Variant Classification Sherloc (09022015). Collection method: clinical testing. Allele origin: germline.
Comment: This sequence change replaces arginine, which is basic and polar, with histidine, which is basic and polar, at codon 596 of the SUN1 protein (p.Arg596His). This variant is present in population databases (rs372947867, gnomAD 0.009%). This variant has not been reported in the literature in individuals affected with SUN1-related conditions. ClinVar contains an entry for this variant (Variation ID: 971280). An algorithm developed to predict the effect of missense changes on protein structure and function outputs the following: PolyPhen-2: "Possibly Damaging". The histidine amino acid residue is found in multiple mammalian species, which suggests that this missense change does not adversely affect protein function. In summary, the available evidence is currently insufficient to determine the role of this variant in disease. Therefore, it has been classified as a Variant of Uncertain Significance.